The following is an entry in ClinVar:

NM_001365276.2(TNXB):c.112C>T (p.Arg38Trp)

Gene: TNXB (tenascin XB; minus strand). Cytogenetic location: 6p21.33.
Variant type: single nucleotide variant.
Coding change: c.112C>T on transcript NM_001365276.2 (MANE Select); coding-DNA position 112, C replaced by T.
Protein change: p.Arg38Trp; replaces arginine 38 with tryptophan.
Molecular consequence: missense variant.
Genome position (GRCh38, 1-based): chr6:32,098,087, G>A on the plus strand (C>T on the coding strand, the complement: TNXB is on the minus strand). VCF-style: chr6-32098087-G-A. GRCh37 (hg19) VCF-style: chr6-32065864-G-A.
Other names: c.112C>T, p.Arg38Trp (NM_019105.8); short protein forms R38W.
Identifiers: ClinVar variation 1727926 (VCV001727926.2), dbSNP rs760408528, ClinGen allele CA3735908.

ClinVar aggregate classification (germline): Uncertain significance (1 of 4 stars; one submission).

Conditions:
Cardiovascular phenotype. Identifiers: MedGen CN230736.

Allele frequency attached by ClinVar (database versions not stated): TOPMed 0.00002; ExAC 0.00003; gnomAD 0.00003.

Submission:

Ambry Genetics
Classification: Uncertain significance for Cardiovascular phenotype. Last evaluated: 2021-07-22. Review status: criteria provided, single submitter. Criteria: Ambry Variant Classification Scheme 2023. Collection method: clinical testing. Allele origin: germline.
Comment: The p.R38W variant (also known as c.112C>T), located in coding exon 1 of the TNXB gene, results from a C to T substitution at nucleotide position 112. The arginine at codon 38 is replaced by tryptophan, an amino acid with dissimilar properties. This amino acid position is conserved. In addition, the in silico prediction for this alteration is inconclusive. Since supporting evidence is limited at this time, the clinical significance of this alteration remains unclear.